The following is an entry in ClinVar:

ClinVar aggregate classification (germline): Uncertain significance (1 of 4 stars; one submission).

Conditions:
Hereditary cancer-predisposing syndrome. Also called: Hereditary Cancer Syndrome; Hereditary neoplastic syndrome; Neoplastic Syndromes, Hereditary; Tumor predisposition. Identifiers: Orphanet 140162, MedGen C0027672, MeSH D009386, MONDO:0015356.

Submission:

Ambry Genetics
Classification: Uncertain significance for Hereditary cancer-predisposing syndrome. Last evaluated: 2019-10-03. Review status: criteria provided, single submitter. Criteria: Ambry Variant Classification Scheme 2023. Collection method: clinical testing. Allele origin: germline.
Comment: The p.C2020S variant (also known as c.6059G>C), located in coding exon 15 of the APC gene, results from a G to C substitution at nucleotide position 6059. The cysteine at codon 2020 is replaced by serine, an amino acid with dissimilar properties. This amino acid position is highly conserved in available vertebrate species. In addition, in silico predictors for this gene do not accurately predict pathogenicity. Since supporting evidence is limited at this time, the clinical significance of this alteration remains unclear.

NM_000038.6(APC):c.6059G>C (p.Cys2020Ser)

Gene: APC (APC regulator of Wnt signaling pathway; plus strand). Cytogenetic location: 5q22.2.
Variant type: single nucleotide variant.
Coding change: c.6059G>C on transcript NM_000038.6 (MANE Select); coding-DNA position 6059, G replaced by C.
Protein change: p.Cys2020Ser; replaces cysteine 2020 with serine.
Molecular consequence: missense variant.
Genome position (GRCh38, 1-based): chr5:112,841,653, G>C. VCF-style: chr5-112841653-G-C. GRCh37 (hg19) VCF-style: chr5-112177350-G-C.
Other names: c.6059G>C, p.Cys2020Ser (NM_001127510.3, NM_001354895.2, NM_001407450.1); c.6005G>C, p.Cys2002Ser (NM_001127511.3); c.6113G>C, p.Cys2038Ser (NM_001354896.2, NM_001407447.1, NM_001407448.1 and 1 more transcripts); c.6089G>C, p.Cys2030Ser (NM_001354897.2); c.5984G>C, p.Cys1995Ser (NM_001354898.2); c.5975G>C, p.Cys1992Ser (NM_001354899.2); c.5936G>C, p.Cys1979Ser (NM_001354900.2); c.5882G>C, p.Cys1961Ser (NM_001354901.2, NM_001407453.1); and 11 more; short protein forms C1894S, C1919S, C1929S, C1937S, C1979S, C1636S, C1860S, C1992S.
Identifiers: ClinVar variation 1751305 (VCV001751305.2), dbSNP rs1766125310, ClinGen allele CA16034590.
Genomic context (GRCh38, chr5:112,841,653, plus strand): 5'-GTAAACCTCAAGCATCAGGCTATGCTCCTAAATCATTTCATGTTGAAGATACCCCAGTTT[G>C]TTTCTCAAGAAACAGTTCTCTCAGTTCTCTTAGTATTGACTCTGAAGATGACCTGTTGCA-3'
Protein context (NP_000029.2, residues 2010-2030): KSFHVEDTPV[Cys2020Ser]FSRNSSLSSL